The following is an entry in ClinVar:

ClinVar aggregate classification (germline): Uncertain significance (1 of 4 stars; one submission).

Allele frequency attached by ClinVar (database versions not stated): gnomAD 0.00001.
gnomAD v4.1: 9 of 1,602,184 alleles (0.00056%); highest among the groups gnomAD compares: Non-Finnish European, 0.00068%; no homozygotes.

Submission:

Labcorp Genetics (formerly Invitae), Labcorp
Classification: Uncertain significance. Last evaluated: 2024-03-26. Review status: criteria provided, single submitter. Criteria: Invitae Variant Classification Sherloc (09022015). Collection method: clinical testing. Allele origin: germline.
Comment: This sequence change replaces methionine, which is neutral and non-polar, with isoleucine, which is neutral and non-polar, at codon 325 of the GNB3 protein (p.Met325Ile). This variant is present in population databases (no rsID available, gnomAD 0.0009%). This variant has not been reported in the literature in individuals affected with GNB3-related conditions. ClinVar contains an entry for this variant (Variation ID: 1412873). Advanced modeling of protein sequence and biophysical properties (such as structural, functional, and spatial information, amino acid conservation, physicochemical variation, residue mobility, and thermodynamic stability) performed at Invitae indicates that this missense variant is not expected to disrupt GNB3 protein function with a negative predictive value of 80%. In summary, the available evidence is currently insufficient to determine the role of this variant in disease. Therefore, it has been classified as a Variant of Uncertain Significance.

NM_002075.4(GNB3):c.975G>A (p.Met325Ile)

Genes: CDCA3 (cell division cycle associated 3; minus strand), GNB3 (G protein subunit beta 3; plus strand). Cytogenetic location: 12p13.31.
Variant type: single nucleotide variant.
Coding change: c.975G>A on transcript NM_002075.4 (MANE Select); coding-DNA position 975, G replaced by A.
Protein change: p.Met325Ile; replaces methionine 325 with isoleucine.
Molecular consequence: missense variant.
Genome position (GRCh38, 1-based): chr12:6,846,850, G>A. VCF-style: chr12-6846850-G-A. GRCh37 (hg19) VCF-style: chr12-6956014-G-A.
Other names: c.972G>A, p.Met324Ile (NM_001297571.2); c.598C>T, p.His200Tyr (NM_001297603.3); short protein forms M324I, H200Y, M325I.
Identifiers: ClinVar variation 1412873 (VCV001412873.8), dbSNP rs980402875, ClinGen allele CA232402282.
Genomic context (GRCh38, chr12:6,846,850, plus strand): 5'-AGGCATCCTCTCTGGCCACGATAACAGGGTGAGCTGCCTGGGAGTCACAGCTGACGGGAT[G>A]GCTGTGGCCACAGGTTCCTGGGACAGCTTCCTCAAAATCTGGAACTGAGGAGGCTGGAGA-3'
Protein context (NP_002066.1, residues 315-335): VSCLGVTADG[Met325Ile]AVATGSWDSF